The following is an entry in ClinVar:

ClinVar aggregate classification (germline): Uncertain significance. Review status: criteria provided, multiple submitters, no conflicts (2 of 4 stars). 2 submissions from 2 submitters: Uncertain significance (2). Last evaluated 2024-01-07.

Conditions:
Medium-chain acyl-coenzyme A dehydrogenase deficiency (ACADMD). Also called: CARNITINE DEFICIENCY SECONDARY TO MEDIUM-CHAIN ACYL-CoA DEHYDROGENASE DEFICIENCY; MCADH DEFICIENCY; MCADD; Medium chain acyl-CoA dehydrogenase deficiency; ACADM DEFICIENCY; MCAD Deficiency. Identifiers: Orphanet 42, MedGen C0220710, MONDO:0008721, OMIM 201450.

Submissions (2):

Labcorp Genetics (formerly Invitae), Labcorp
Classification: Uncertain significance for Medium-chain acyl-coenzyme A dehydrogenase deficiency. Last evaluated: 2024-01-07. Review status: criteria provided, single submitter. Criteria: Invitae Variant Classification Sherloc (09022015). Collection method: clinical testing. Allele origin: germline.
Comment: This sequence change replaces serine, which is neutral and polar, with asparagine, which is neutral and polar, at codon 336 of the ACADM protein (p.Ser336Asn). This variant is not present in population databases (gnomAD no frequency). This missense change has been observed in individual(s) with MCAD deficiency (PMID: 22683754). ClinVar contains an entry for this variant (Variation ID: 193785). Advanced modeling of protein sequence and biophysical properties (such as structural, functional, and spatial information, amino acid conservation, physicochemical variation, residue mobility, and thermodynamic stability) performed at Invitae indicates that this missense variant is not expected to disrupt ACADM protein function with a negative predictive value of 80%. This variant disrupts the p.Ser336 amino acid residue in ACADM. Other variant(s) that disrupt this residue have been observed in individuals with ACADM-related conditions (PMID: 8198141, 22683754), which suggests that this may be a clinically significant amino acid residue. In summary, the available evidence is currently insufficient to determine the role of this variant in disease. Therefore, it has been classified as a Variant of Uncertain Significance.

Eurofins Ntd Llc (ga)
Classification: Uncertain significance. Last evaluated: 2015-04-02. Review status: criteria provided, single submitter. Criteria: EGL Classification Definitions 2015. Collection method: clinical testing. Allele origin: germline. Observed: 1 variant allele, 1 heterozygote.

Literature cited by the submitters: PubMed 22683754 (cited by Labcorp Genetics (formerly Invitae), Labcorp); PubMed 8198141 (cited by Labcorp Genetics (formerly Invitae), Labcorp).

NM_000016.6(ACADM):c.1007G>A (p.Ser336Asn)

Gene: ACADM (acyl-CoA dehydrogenase medium chain; plus strand). Cytogenetic location: 1p31.1.
Variant type: single nucleotide variant.
Coding change: c.1007G>A on transcript NM_000016.6 (MANE Select); coding-DNA position 1007, G replaced by A.
Protein change: p.Ser336Asn; replaces serine 336 with asparagine.
Molecular consequence: missense variant.
Genome position (GRCh38, 1-based): chr1:75,761,183, G>A. VCF-style: chr1-75761183-G-A. GRCh37 (hg19) VCF-style: chr1-76226868-G-A.
Other names: c.1019G>A, p.Ser340Asn (NM_001127328.3); c.899G>A, p.Ser300Asn (NM_001286042.2); c.1106G>A, p.Ser369Asn (NM_001286043.2); c.440G>A, p.Ser147Asn (NM_001286044.2); short protein forms S340N, S336N, S300N, S147N, S369N.
Identifiers: ClinVar variation 193785 (VCV000193785.8), dbSNP rs794727013, ClinGen allele CA239435.